The following is an entry in ClinVar:

NM_014738.6(TMEM94):c.200G>T (p.Trp67Leu)

Gene: TMEM94 (transmembrane protein 94; plus strand). Cytogenetic location: 17q25.1.
Variant type: single nucleotide variant.
Coding change: c.200G>T on transcript NM_014738.6 (MANE Select); coding-DNA position 200, G replaced by T.
Protein change: p.Trp67Leu; replaces tryptophan 67 with leucine.
Molecular consequence: missense variant.
Genome position (GRCh38, 1-based): chr17:75,485,926, G>T. VCF-style: chr17-75485926-G-T. GRCh37 (hg19) VCF-style: chr17-73482007-G-T.
Other names: c.230G>T, p.Trp77Leu (NM_001321148.2, NM_001351203.2, NM_001438843.1 and 1 more transcripts); c.200G>T, p.Trp67Leu (NM_001321149.2, NM_001351202.2, NM_001438841.1 and 5 more transcripts); short protein forms W67L, W77L.
Identifiers: ClinVar variation 4975850 (VCV004975850.1).

ClinVar aggregate classification (germline): Uncertain significance (1 of 4 stars; one submission).

gnomAD v4.1: 4 of 1,613,756 alleles (0.00025%); highest among the groups gnomAD compares: Middle Eastern, 0.033%; no homozygotes.

Submission:

GeneDx
Classification: Uncertain significance. Last evaluated: 2026-02-09. Review status: criteria provided, single submitter. Criteria: GeneDx Variant Classification Process June 2021. Collection method: clinical testing. Allele origin: germline.
Comment: Not observed at significant frequency in large population cohorts (gnomAD); In silico analysis supports that this missense variant has a deleterious effect on protein structure/function; Has not been previously published as pathogenic or benign to our knowledge